The following is an entry in ClinVar:

NM_002838.5(PTPRC):c.1027C>G (p.Gln343Glu)

Gene: PTPRC (protein tyrosine phosphatase receptor type C; plus strand). Cytogenetic location: 1q32.1.
Variant type: single nucleotide variant.
Coding change: c.1027C>G on transcript NM_002838.5 (MANE Select); coding-DNA position 1027, C replaced by G.
Protein change: p.Gln343Glu; replaces glutamine 343 with glutamic acid.
Molecular consequence: missense variant.
Genome position (GRCh38, 1-based): chr1:198,708,255, C>G. VCF-style: chr1-198708255-C-G. GRCh37 (hg19) VCF-style: chr1-198677384-C-G.
Other names: c.544C>G, p.Gln182Glu (NM_080921.4); short protein forms Q182E, Q343E.
Identifiers: ClinVar variation 1928005 (VCV001928005.2), dbSNP rs775327712, ClinGen allele CA1314665.
Genomic context (GRCh38, chr1:198,708,255, plus strand): 5'-TTAAAATGGAAAAATATTGAAACCTTTACTTGTGATACACAGAATATTACCTACAGATTT[C>G]AGTGTGGTAAGAATATAACATTGACCAGAGAATTTTTTTTTGTGGCACAATGTTGTTCTA-3'
Protein context (NP_002829.3, residues 333-353): CDTQNITYRF[Gln343Glu]CGNMIFDNKE

ClinVar aggregate classification (germline): Uncertain significance (1 of 4 stars; one submission).

Conditions:
Immunodeficiency 104. Also called: Severe combined immunodeficiency, autosomal recessive, T cell-negative, B cell-positive, NK cell-positive; IMMUNODEFICIENCY 104, SEVERE COMBINED; SCID, AUTOSOMAL RECESSIVE, T CELL-NEGATIVE, B CELL-POSITIVE, NK CELL-POSITIVE; Severe Combined Immune Deficiency, Autosomal Recessive, TCell -Negative, B Cell-Positive, NK Cell-Positive, IL7R-Related. Identifiers: MedGen C5676890, MONDO:0012163, OMIM 608971.

Allele frequency attached by ClinVar (database versions not stated): gnomAD exomes below 0.00001; TOPMed below 0.00001; ExAC 0.00002.
gnomAD v4.1: 1 of 1,605,972 alleles (0.000062%); highest among the groups gnomAD compares: East Asian, 0.0022%; no homozygotes.

Submission:

Labcorp Genetics (formerly Invitae), Labcorp
Classification: Uncertain significance for Immunodeficiency 104. Last evaluated: 2022-07-18. Review status: criteria provided, single submitter. Criteria: Invitae Variant Classification Sherloc (09022015). Collection method: clinical testing. Allele origin: germline.
Comment: This sequence change replaces glutamine, which is neutral and polar, with glutamic acid, which is acidic and polar, at codon 343 of the PTPRC protein (p.Gln343Glu). This variant is present in population databases (rs775327712, gnomAD 0.02%). This variant has not been reported in the literature in individuals affected with PTPRC-related conditions. Algorithms developed to predict the effect of missense changes on protein structure and function output the following: SIFT: "Tolerated"; PolyPhen-2: "Benign"; Align-GVGD: "Class C0". The glutamic acid amino acid residue is found in multiple mammalian species, which suggests that this missense change does not adversely affect protein function. In summary, the available evidence is currently insufficient to determine the role of this variant in disease. Therefore, it has been classified as a Variant of Uncertain Significance.